The following is an entry in ClinVar:

NM_002439.5(MSH3):c.1981T>A (p.Ser661Thr)

Gene: MSH3 (mutS homolog 3; plus strand). Cytogenetic location: 5q14.1.
Variant type: single nucleotide variant.
Coding change: c.1981T>A on transcript NM_002439.5 (MANE Select); coding-DNA position 1981, T replaced by A.
Protein change: p.Ser661Thr; replaces serine 661 with threonine.
Molecular consequence: missense variant.
Genome position (GRCh38, 1-based): chr5:80,768,017, T>A. VCF-style: chr5-80768017-T-A. GRCh37 (hg19) VCF-style: chr5-80063836-T-A.
Other names: short protein forms S661T.
Identifiers: ClinVar variation 654718 (VCV000654718.13), dbSNP rs1580033832, ClinGen allele CA360277628.
Genomic context (GRCh38, chr5:80,768,017, plus strand): 5'-ATTGTCAAAACTTTATATCACCTAAAGTCAGAATTTCAAGCAATAATACCTGCTGTTAAT[T>A]CCCACATTCAGTCAGACTTGCTCCGGACCGTTATTTTAGAAATTCCTGAACTCCTCAGTC-3'
Protein context (NP_002430.3, residues 651-671): EFQAIIPAVN[Ser661Thr]HIQSDLLRTV

ClinVar aggregate classification (germline): Uncertain significance. Review status: criteria provided, multiple submitters, no conflicts (2 of 4 stars). 2 submissions from 2 submitters: Uncertain significance (2). Last evaluated 2025-05-13.

Conditions:
Hereditary cancer-predisposing syndrome. Also called: Hereditary neoplastic syndrome; Tumor predisposition; Neoplastic Syndromes, Hereditary; Hereditary Cancer Syndrome. Identifiers: Orphanet 140162, MedGen C0027672, MeSH D009386, MONDO:0015356.

Allele frequency attached by ClinVar (database versions not stated): gnomAD exomes 0.00001.
gnomAD v4.1: 3 of 1,613,662 alleles (0.00019%); highest among the groups gnomAD compares: Non-Finnish European, 0.00025%; no homozygotes.

Submissions (2):

Labcorp Genetics (formerly Invitae), Labcorp
Classification: Uncertain significance. Last evaluated: 2025-05-13. Review status: criteria provided, single submitter. Criteria: Invitae Variant Classification Sherloc (09022015). Collection method: clinical testing. Allele origin: germline.
Comment: This sequence change replaces serine, which is neutral and polar, with threonine, which is neutral and polar, at codon 661 of the MSH3 protein (p.Ser661Thr). This variant is not present in population databases (gnomAD no frequency). This variant has not been reported in the literature in individuals affected with MSH3-related conditions. ClinVar contains an entry for this variant (Variation ID: 654718). An algorithm developed to predict the effect of missense changes on protein structure and function (PolyPhen-2) suggests that this variant is likely to be tolerated. In summary, the available evidence is currently insufficient to determine the role of this variant in disease. Therefore, it has been classified as a Variant of Uncertain Significance.

Ambry Genetics
Classification: Uncertain significance for Hereditary cancer-predisposing syndrome. Last evaluated: 2023-07-05. Review status: criteria provided, single submitter. Criteria: Ambry Variant Classification Scheme 2023. Collection method: clinical testing. Allele origin: germline.
Comment: The p.S661T variant (also known as c.1981T>A), located in coding exon 14 of the MSH3 gene, results from a T to A substitution at nucleotide position 1981. The serine at codon 661 is replaced by threonine, an amino acid with similar properties. This amino acid position is well conserved in available vertebrate species. In addition, this alteration is predicted to be tolerated by in silico analysis. Since supporting evidence is limited at this time, the clinical significance of this alteration remains unclear.